The following is an entry in ClinVar:

ClinVar aggregate classification (germline): Uncertain significance (1 of 4 stars; one submission).

Conditions:
Spermatogenic failure 18. Identifiers: MedGen C4539783, MONDO:0054615, OMIM 617576.
Ciliary dyskinesia, primary, 37 (CILD37). Also called: CILIARY DYSKINESIA, PRIMARY, 37, WITH OR WITHOUT SITUS INVERSUS. Identifiers: MedGen C4539798, MONDO:0033204, OMIM 617577.

Allele frequency attached by ClinVar (database versions not stated): TOPMed 0.00003.
gnomAD v4.1: 4 of 1,614,002 alleles (0.00025%); highest among the groups gnomAD compares: South Asian, 0.0011%; no homozygotes.

Submission:

Labcorp Genetics (formerly Invitae), Labcorp
Classification: Uncertain significance for Ciliary dyskinesia, primary, 37; Spermatogenic failure 18. Last evaluated: 2023-11-28. Review status: criteria provided, single submitter. Criteria: Invitae Variant Classification Sherloc (09022015). Collection method: clinical testing. Allele origin: germline.
Comment: This sequence change replaces arginine, which is basic and polar, with cysteine, which is neutral and slightly polar, at codon 447 of the DNAH1 protein (p.Arg447Cys). This variant is present in population databases (no rsID available, gnomAD 0.01%). This variant has not been reported in the literature in individuals affected with DNAH1-related conditions. An algorithm developed to predict the effect of missense changes on protein structure and function (PolyPhen-2) suggests that this variant is likely to be disruptive. In summary, the available evidence is currently insufficient to determine the role of this variant in disease. Therefore, it has been classified as a Variant of Uncertain Significance.

NM_015512.5(DNAH1):c.1339C>T (p.Arg447Cys)

Gene: DNAH1 (dynein axonemal heavy chain 1; plus strand). Cytogenetic location: 3p21.1.
Variant type: single nucleotide variant.
Coding change: c.1339C>T on transcript NM_015512.5 (MANE Select); coding-DNA position 1339, C replaced by T.
Protein change: p.Arg447Cys; replaces arginine 447 with cysteine.
Molecular consequence: missense variant.
Genome position (GRCh38, 1-based): chr3:52,344,542, C>T. VCF-style: chr3-52344542-C-T. GRCh37 (hg19) VCF-style: chr3-52378558-C-T.
Other names: short protein forms R447C.
Identifiers: ClinVar variation 2923707 (VCV002923707.1), dbSNP rs1385053188, ClinGen allele CA353088078.